The following is an entry in ClinVar:

NM_005461.5(MAFB):c.905C>T (p.Ala302Val)

Gene: MAFB (MAF bZIP transcription factor B; minus strand). Cytogenetic location: 20q12.
Variant type: single nucleotide variant.
Coding change: c.905C>T on transcript NM_005461.5 (MANE Select); coding-DNA position 905, C replaced by T.
Protein change: p.Ala302Val; replaces alanine 302 with valine.
Molecular consequence: missense variant.
Genome position (GRCh38, 1-based): chr20:40,687,946, G>A on the plus strand (C>T on the coding strand, the complement: MAFB is on the minus strand). VCF-style: chr20-40687946-G-A. GRCh37 (hg19) VCF-style: chr20-39316586-G-A.
Other names: c.905C>T (NM_005461.3, NM_005461.4); short protein forms A302V.
Identifiers: ClinVar variation 2080782 (VCV002080782.7), dbSNP rs201243960, ClinGen allele CA9857733.

ClinVar aggregate classification (germline): Likely benign. Review status: criteria provided, multiple submitters, no conflicts (2 of 4 stars). 4 submissions from 4 submitters: Likely benign (4). Last evaluated 2025-07-15.

Conditions:
MAFB-related disorder. Also called: MAFB-related condition.
Inborn genetic diseases. Identifiers: MedGen C0950123, MeSH D030342.

Allele frequency attached by ClinVar (database versions not stated): ExAC 0.00007; ESP Exome Variant Server 0.00008; 1000 Genomes Project 30x 0.00031; 1000 Genomes Project 0.00040.
gnomAD v4.1: 48 of 1,613,810 alleles (0.003%); highest among the groups gnomAD compares: African/African-American, 0.056%; no homozygotes.

Submissions (4):

Ambry Genetics
Classification: Likely benign for Inborn genetic diseases. Last evaluated: 2025-07-15. Review status: criteria provided, single submitter. Criteria: Ambry Variant Classification Scheme 2023. Collection method: clinical testing. Allele origin: germline.

Labcorp Genetics (formerly Invitae), Labcorp
Classification: Likely benign. Last evaluated: 2025-06-12. Review status: criteria provided, single submitter. Criteria: Invitae Variant Classification Sherloc (09022015). Collection method: clinical testing. Allele origin: germline.

PreventionGenetics, part of Exact Sciences
Classification: Likely benign for MAFB-related condition. Last evaluated: 2025-02-17. Review status: criteria provided, single submitter. Criteria: ACMG Guidelines, 2015. Collection method: clinical testing. Allele origin: germline.
Comment: This variant is classified as likely benign based on ACMG/AMP sequence variant interpretation guidelines (Richards et al. 2015 PMID: 25741868, with internal and published modifications).

Blueprint Genetics
Classification: Likely benign. Last evaluated: 2020-09-07. Review status: criteria provided, single submitter. Criteria: ACMG Guidelines, 2015. Collection method: clinical testing. Allele origin: germline.